The following is an entry in ClinVar:

ClinVar aggregate classification (germline): Uncertain significance (1 of 4 stars; one submission).

Submission:

Labcorp Genetics (formerly Invitae), Labcorp
Classification: Uncertain significance. Last evaluated: 2022-11-15. Review status: criteria provided, single submitter. Criteria: Invitae Variant Classification Sherloc (09022015). Collection method: clinical testing. Allele origin: germline.
Comment: In summary, the available evidence is currently insufficient to determine the role of this variant in disease. Therefore, it has been classified as a Variant of Uncertain Significance. Algorithms developed to predict the effect of missense changes on protein structure and function (SIFT, PolyPhen-2, Align-GVGD) all suggest that this variant is likely to be disruptive. This variant has not been reported in the literature in individuals affected with PAX4-related conditions. This variant is not present in population databases (gnomAD no frequency). This sequence change replaces threonine, which is neutral and polar, with lysine, which is basic and polar, at codon 73 of the PAX4 protein (p.Thr73Lys).

NM_001366110.1(PAX4):c.242C>A (p.Thr81Lys)

Gene: PAX4 (paired box 4; minus strand). Cytogenetic location: 7q32.1.
Variant type: single nucleotide variant.
Coding change: c.242C>A on transcript NM_001366110.1 (MANE Select); coding-DNA position 242, C replaced by A.
Protein change: p.Thr81Lys; replaces threonine 81 with lysine.
Molecular consequence: missense variant.
Genome position (GRCh38, 1-based): chr7:127,614,998, G>T on the plus strand (C>A on the coding strand, the complement: PAX4 is on the minus strand). VCF-style: chr7-127614998-G-T. GRCh37 (hg19) VCF-style: chr7-127255052-G-T.
Other names: c.242C>A, p.Thr81Lys (NM_001366111.1); short protein forms T81K.
Identifiers: ClinVar variation 2871095 (VCV002871095.3), dbSNP rs1193400606, ClinGen allele CA369176289.